The following is an entry in ClinVar:

ClinVar aggregate classification (germline): Uncertain significance (1 of 4 stars; one submission).

Allele frequency attached by ClinVar (database versions not stated): gnomAD exomes below 0.00001; gnomAD 0.00001; TOPMed 0.00002.
gnomAD v4.1: 3 of 1,613,964 alleles (0.00019%); highest among the groups gnomAD compares: African/African-American, 0.004%; no homozygotes.

Submission:

Labcorp Genetics (formerly Invitae), Labcorp
Classification: Uncertain significance. Last evaluated: 2022-03-25. Review status: criteria provided, single submitter. Criteria: Invitae Variant Classification Sherloc (09022015). Collection method: clinical testing. Allele origin: germline.
Comment: In summary, the available evidence is currently insufficient to determine the role of this variant in disease. Therefore, it has been classified as a Variant of Uncertain Significance. Algorithms developed to predict the effect of missense changes on protein structure and function (SIFT, PolyPhen-2, Align-GVGD) all suggest that this variant is likely to be tolerated. This variant has not been reported in the literature in individuals affected with DTNBP1-related conditions. This variant is not present in population databases (gnomAD no frequency). This sequence change replaces glutamine, which is neutral and polar, with glutamic acid, which is acidic and polar, at codon 153 of the DTNBP1 protein (p.Gln153Glu).

NM_032122.5(DTNBP1):c.457C>G (p.Gln153Glu)

Gene: DTNBP1 (dystrobrevin binding protein 1; minus strand). Cytogenetic location: 6p22.3.
Variant type: single nucleotide variant.
Coding change: c.457C>G on transcript NM_032122.5 (MANE Select); coding-DNA position 457, C replaced by G.
Protein change: p.Gln153Glu; replaces glutamine 153 with glutamic acid.
Molecular consequence: missense variant. On other transcripts: non-coding transcript variant (1).
Genome position (GRCh38, 1-based): chr6:15,615,298, G>C on the plus strand (C>G on the coding strand, the complement: DTNBP1 is on the minus strand). VCF-style: chr6-15615298-G-C. GRCh37 (hg19) VCF-style: chr6-15615529-G-C.
Other names: c.214C>G, p.Gln72Glu (NM_001271667.2, NM_183041.1); c.406C>G, p.Gln136Glu (NM_001271668.2); c.352C>G, p.Gln118Glu (NM_001271669.2); c.457C>G, p.Gln153Glu (NM_183040.2); short protein forms Q136E, Q153E, Q72E, Q118E.
Identifiers: ClinVar variation 1950240 (VCV001950240.5), dbSNP rs1441457510, ClinGen allele CA362799743.
Genomic context (GRCh38, chr6:15,615,298, plus strand): 5'-GAATACTGTGGCAAACTTTTCAAACTCACCTCTTATTTTTCTTGTAATTCTCCAGTTGCT[G>C]GGACTGCATATGTTTGCATCTTTCTAATTCACACTGCCCACATAAGTCTTCCAGATGCAG-3'
Protein context (NP_115498.2, residues 143-163): ELERCKHMQS[Gln153Glu]QLENYKKNKR